The following is an entry in ClinVar:

ClinVar aggregate classification (germline): Uncertain significance (1 of 4 stars; one submission).

Conditions:
Ataxia-telangiectasia syndrome (AT). Also called: Cerebello-oculocutaneous telangiectasia; Immunodeficiency with ataxia telangiectasia; Ataxia-telangiectasia, complementation group E; Ataxia-telangiectasia, complementation group D; AT, COMPLEMENTATION GROUP C; ATAXIA-TELANGIECTASIA, COMPLEMENTATION GROUP A. Identifiers: Orphanet 100, MedGen C0004135, MONDO:0008840, OMIM 208900.

Submission:

Labcorp Genetics (formerly Invitae), Labcorp
Classification: Uncertain significance for Ataxia-telangiectasia syndrome. Last evaluated: 2022-06-27. Review status: criteria provided, single submitter. Criteria: Invitae Variant Classification Sherloc (09022015). Collection method: clinical testing. Allele origin: germline.
Comment: In summary, the available evidence is currently insufficient to determine the role of this variant in disease. Therefore, it has been classified as a Variant of Uncertain Significance. Advanced modeling of protein sequence and biophysical properties (such as structural, functional, and spatial information, amino acid conservation, physicochemical variation, residue mobility, and thermodynamic stability) performed at Invitae indicates that this missense variant is expected to disrupt ATM protein function. ClinVar contains an entry for this variant (Variation ID: 570287). This variant has not been reported in the literature in individuals affected with ATM-related conditions. This variant is not present in population databases (gnomAD no frequency). This sequence change replaces isoleucine, which is neutral and non-polar, with threonine, which is neutral and polar, at codon 2920 of the ATM protein (p.Ile2920Thr).

NM_000051.4(ATM):c.8759T>C (p.Ile2920Thr)

Genes: C11orf65 (chromosome 11 open reading frame 65; minus strand), ATM (ATM serine/threonine kinase; plus strand). Cytogenetic location: 11q22.3.
Variant type: single nucleotide variant.
Coding change: c.8759T>C on transcript NM_000051.4 (MANE Select); coding-DNA position 8759, T replaced by C.
Protein change: p.Ile2920Thr; replaces isoleucine 2920 with threonine.
Molecular consequence: missense variant. On other transcripts: intron variant (2).
Genome position (GRCh38, 1-based): chr11:108,353,853, T>C. VCF-style: chr11-108353853-T-C. GRCh37 (hg19) VCF-style: chr11-108224580-T-C.
Other names: c.8759T>C, p.Ile2920Thr (NM_001351834.2); c.640+32067A>G (NM_001330368.2); c.695-18561A>G (NM_001351110.2); short protein forms I2920T.
Identifiers: ClinVar variation 570287 (VCV000570287.9), dbSNP rs1565579485, ClinGen allele CA382524153.
Genomic context (GRCh38, chr11:108,353,853, plus strand): 5'-TTCCTACTCCTGAGACAGTTCCTTTTAGACTCACCAGAGATATTGTGGATGGCATGGGCA[T>C]TACGGGTGTTGAAGGTGTCTTCAGAAGGTAAGTGATATGAAGTAAAGGAGGGAAATAATT-3'
Protein context (NP_000042.3, residues 2910-2930): LTRDIVDGMG[Ile2920Thr]TGVEGVFRRC